The following is an entry in ClinVar:

ClinVar aggregate classification (germline): Benign/Likely benign. Review status: criteria provided, multiple submitters, no conflicts (2 of 4 stars). 3 submissions from 3 submitters: Benign (1); Likely benign (1). 1 of the submissions does not count toward it. Last evaluated 2026-01-18.

Conditions:
KRT6B-related disorder. Also called: KRT6B-related condition.

Allele frequency attached by ClinVar (database versions not stated): 1000 Genomes Project 30x 0.00109; 1000 Genomes Project 0.00120; gnomAD 0.00174 and 0.00185; TOPMed 0.00178; ESP Exome Variant Server 0.00215.
gnomAD v4.1: 2,011 of 1,614,134 alleles (0.12%); highest among the groups gnomAD compares: African/African-American, 0.45%; no homozygotes.

Submissions (3):

Labcorp Genetics (formerly Invitae), Labcorp
Classification: Benign. Last evaluated: 2026-01-18. Review status: criteria provided, single submitter. Criteria: Invitae Variant Classification Sherloc (09022015). Collection method: clinical testing. Allele origin: germline.

Blueprint Genetics
Classification: Likely benign. Last evaluated: 2024-11-07. Review status: criteria provided, single submitter. Criteria: ACMG Guidelines, 2015. Collection method: clinical testing. Allele origin: germline.

PreventionGenetics, part of Exact Sciences
Classification: Likely benign for KRT6B-related condition. Last evaluated: 2024-03-27. Review status: no assertion criteria provided. Collection method: clinical testing. Allele origin: germline. Not counted in ClinVar's aggregate classification.
Comment: This variant is classified as likely benign based on ACMG/AMP sequence variant interpretation guidelines (Richards et al. 2015 PMID: 25741868, with internal and published modifications).

NM_005555.4(KRT6B):c.1045A>C (p.Arg349=)

Gene: KRT6B (keratin 6B; minus strand). Cytogenetic location: 12q13.13.
Variant type: single nucleotide variant.
Coding change: c.1045A>C on transcript NM_005555.4 (MANE Select); coding-DNA position 1045, A replaced by C.
Protein change: p.Arg349=; no amino-acid change (arginine 349 retained).
Molecular consequence: synonymous variant.
Genome position (GRCh38, 1-based): chr12:52,449,501, T>G on the plus strand (A>C on the coding strand, the complement: KRT6B is on the minus strand). VCF-style: chr12-52449501-T-G. GRCh37 (hg19) VCF-style: chr12-52843285-T-G.
Identifiers: ClinVar variation 789218 (VCV000789218.12), dbSNP rs11503946, ClinGen allele CA6580570.
Genomic context (GRCh38, chr12:52,449,501, plus strand): 5'-CCTCAGCGGCTGTCCACTCCGTGCTCACCTTTGTCTGGTACCAGGACTCAGCCTCAGCCC[T>G]GCTCCTCTGAGCAATCTCCTCATATTGGGCCTTGACCTCAGCGATGATGCTGTCCAGGTC-3'
Protein context (NP_005546.2, residues 339-359): AQYEEIAQRS[Arg349=]AEAESWYQTK